The following is an entry in ClinVar:

NM_000256.3(MYBPC3):c.145A>G (p.Ile49Val)

Gene: MYBPC3 (myosin binding protein C3; minus strand). Cytogenetic location: 11p11.2.
Variant type: single nucleotide variant.
Coding change: c.145A>G on transcript NM_000256.3 (MANE Select); coding-DNA position 145, A replaced by G.
Protein change: p.Ile49Val; replaces isoleucine 49 with valine.
Molecular consequence: missense variant.
Genome position (GRCh38, 1-based): chr11:47,351,386, T>C on the plus strand (A>G on the coding strand, the complement: MYBPC3 is on the minus strand). VCF-style: chr11-47351386-T-C. GRCh37 (hg19) VCF-style: chr11-47372937-T-C.
Other names: short protein forms I49V.
Identifiers: ClinVar variation 1773115 (VCV001773115.3), dbSNP rs760058908, ClinGen allele CA380341838.

ClinVar aggregate classification (germline): Uncertain significance. Review status: criteria provided, multiple submitters, no conflicts (2 of 4 stars). 2 submissions from 2 submitters: Uncertain significance (2). Last evaluated 2025-11-13.

Conditions:
Cardiovascular phenotype. Identifiers: MedGen CN230736.
Hypertrophic cardiomyopathy. Also called: HYPERTROPHIC MYOCARDIOPATHY. Identifiers: Orphanet 217569, MedGen C0007194, MeSH D002312, MONDO:0005045, HP:0001639.

Submissions (2):

Labcorp Genetics (formerly Invitae), Labcorp
Classification: Uncertain significance for Hypertrophic cardiomyopathy. Last evaluated: 2025-11-13. Review status: criteria provided, single submitter. Criteria: Invitae Variant Classification Sherloc (09022015). Collection method: clinical testing. Allele origin: germline.
Comment: This sequence change replaces isoleucine, which is neutral and non-polar, with valine, which is neutral and non-polar, at codon 49 of the MYBPC3 protein (p.Ile49Val). This variant is not present in population databases (gnomAD no frequency). This variant has not been reported in the literature in individuals affected with MYBPC3-related conditions. ClinVar contains an entry for this variant (Variation ID: 1773115). An algorithm developed to predict the effect of missense changes on protein structure and function (PolyPhen-2) suggests that this variant is likely to be tolerated. In summary, the available evidence is currently insufficient to determine the role of this variant in disease. Therefore, it has been classified as a Variant of Uncertain Significance.

Ambry Genetics
Classification: Uncertain significance for Cardiovascular phenotype. Last evaluated: 2019-11-26. Review status: criteria provided, single submitter. Criteria: Ambry Variant Classification Scheme 2023. Collection method: clinical testing. Allele origin: germline.
Comment: The p.I49V variant (also known as c.145A>G), located in coding exon 2 of the MYBPC3 gene, results from an A to G substitution at nucleotide position 145. The isoleucine at codon 49 is replaced by valine, an amino acid with highly similar properties. A different missense variant (p.I49S, c.146T>G) and a deletion of this amino acid (p.I49del, c.146_148del) have been reported in hypertrophic cardiomyopathy cohorts (Liu X et al. Sci Rep, 2015 Jun;5:11411; Berge KE et al. Clin. Genet., 2014 Oct;86:355-60). This amino acid position is well conserved in available vertebrate species. In addition, this alteration is predicted to be tolerated by in silico analysis. Since supporting evidence is limited at this time, the clinical significance of this alteration remains unclear.

Literature cited by the submitters: PubMed 24111713 (cited by Ambry Genetics); PubMed 26090888 (cited by Ambry Genetics).